The following is an entry in ClinVar:

ClinVar aggregate classification (germline): Uncertain significance (1 of 4 stars; one submission).

gnomAD v4.1: 3 of 1,611,918 alleles (0.00019%); highest among the groups gnomAD compares: Non-Finnish European, 0.00025%; no homozygotes.

Submission:

Labcorp Genetics (formerly Invitae), Labcorp
Classification: Uncertain significance. Last evaluated: 2026-01-06. Review status: criteria provided, single submitter. Criteria: Invitae Variant Classification Sherloc (09022015). Collection method: clinical testing. Allele origin: germline.
Comment: This sequence change falls in intron 4 of the SGMS2 gene. It does not directly change the encoded amino acid sequence of the SGMS2 protein. It affects a nucleotide within the consensus splice site. This variant is not present in population databases (gnomAD no frequency). This variant has not been reported in the literature in individuals affected with SGMS2-related conditions. Variants that disrupt the consensus splice site are a relatively common cause of aberrant splicing (PMID: 17576681, 9536098). Algorithms developed to predict the effect of sequence changes on RNA splicing suggest that this variant is not likely to affect RNA splicing. In summary, the available evidence is currently insufficient to determine the role of this variant in disease. Therefore, it has been classified as a Variant of Uncertain Significance.

Literature cited by the submitters: PubMed 17576681; PubMed 9536098.

NM_001375905.1(SGMS2):c.728-3C>T

Genes: CYP2U1-AS1 (CYP2U1 and SGMS2 antisense RNA 1; minus strand), SGMS2 (sphingomyelin synthase 2; plus strand). Cytogenetic location: 4q25.
Variant type: single nucleotide variant.
Coding change: c.728-3C>T on transcript NM_001375905.1 (MANE Select); 3 bases into the intron before coding-DNA position 728, C replaced by T.
Molecular consequence: intron variant.
Genome position (GRCh38, 1-based): chr4:107,908,562, C>T. VCF-style: chr4-107908562-C-T. GRCh37 (hg19) VCF-style: chr4-108829718-C-T.
Other names: c.728-3C>T (NM_001375906.1, NM_001375908.1, NM_001136258.2 and 3 more transcripts); c.728-1788C>T (NM_001375910.1); c.209-3C>T (NM_001375911.1).
Identifiers: ClinVar variation 4717302 (VCV004717302.1).
Genomic context (GRCh38, chr4:107,908,562, plus strand): 5'-GACTGTAATCATTACATTCATCTCTGGGAATCTTATTAACTCTGTAATTTTTCTACTGTC[C>T]AGATTCGCCTCGTCACTTCTGGTGGTATCATTTAATCTGCTGGCTGCTGAGTGCTGCCGG-3'